The following is an entry in ClinVar:

NM_004655.4(AXIN2):c.787T>A (p.Ser263Thr)

Gene: AXIN2 (axin 2; minus strand). Cytogenetic location: 17q24.1.
Variant type: single nucleotide variant.
Coding change: c.787T>A on transcript NM_004655.4 (MANE Select); coding-DNA position 787, T replaced by A.
Protein change: p.Ser263Thr; replaces serine 263 with threonine.
Molecular consequence: missense variant.
Genome position (GRCh38, 1-based): chr17:65,557,834, A>T on the plus strand (T>A on the coding strand, the complement: AXIN2 is on the minus strand). VCF-style: chr17-65557834-A-T. GRCh37 (hg19) VCF-style: chr17-63553952-A-T.
Other names: c.787T>A, p.Ser263Thr (NM_001363813.1); short protein forms S263T.
Identifiers: ClinVar variation 5032664 (VCV005032664.1).

ClinVar aggregate classification (germline): Uncertain significance (1 of 4 stars; one submission).

Conditions:
Hereditary cancer-predisposing syndrome. Also called: Neoplastic Syndromes, Hereditary; Tumor predisposition; Hereditary neoplastic syndrome; Hereditary Cancer Syndrome. Identifiers: Orphanet 140162, MedGen C0027672, MeSH D009386, MONDO:0015356.

Submission:

Ambry Genetics
Classification: Uncertain significance for Hereditary cancer-predisposing syndrome. Last evaluated: 2026-07-26. Review status: criteria provided, single submitter. Criteria: Ambry Variant Classification Scheme 2023. Collection method: clinical testing. Allele origin: germline.
Comment: The p.S263T variant (also known as c.787T>A), located in coding exon 1 of the AXIN2 gene, results from a T to A substitution at nucleotide position 787. The serine at codon 263 is replaced by threonine, an amino acid with similar properties. This amino acid position is conserved. In addition, this alteration is predicted to be tolerated by in silico analysis. Based on the available evidence, the clinical significance of this variant remains unclear.